The following is an entry in ClinVar:

NM_001375524.1(TRRAP):c.1381C>T (p.Arg461Trp)

Gene: TRRAP (transformation/transcription domain associated protein; plus strand). Cytogenetic location: 7q22.1.
Variant type: single nucleotide variant.
Coding change: c.1381C>T on transcript NM_001375524.1 (MANE Select); coding-DNA position 1381, C replaced by T.
Protein change: p.Arg461Trp; replaces arginine 461 with tryptophan.
Molecular consequence: missense variant.
Genome position (GRCh38, 1-based): chr7:98,910,086, C>T. VCF-style: chr7-98910086-C-T. GRCh37 (hg19) VCF-style: chr7-98507709-C-T.
Other names: c.1381C>T, p.Arg461Trp (NM_001244580.2, NM_003496.4); short protein forms R461W.
Identifiers: ClinVar variation 2967027 (VCV002967027.3), dbSNP rs782751174, ClinGen allele CA4359509.

ClinVar aggregate classification (germline): Uncertain significance (1 of 4 stars; one submission).

Allele frequency attached by ClinVar (database versions not stated): ExAC 0.00001; gnomAD 0.00001; TOPMed 0.00002.
gnomAD v4.1: 11 of 1,557,418 alleles (0.00071%); highest among the groups gnomAD compares: African/African-American, 0.0014%; no homozygotes.

Submission:

Labcorp Genetics (formerly Invitae), Labcorp
Classification: Uncertain significance. Last evaluated: 2025-07-28. Review status: criteria provided, single submitter. Criteria: Invitae Variant Classification Sherloc (09022015). Collection method: clinical testing. Allele origin: germline.
Comment: This sequence change replaces arginine, which is basic and polar, with tryptophan, which is neutral and slightly polar, at codon 461 of the TRRAP protein (p.Arg461Trp). This variant is present in population databases (rs782751174, gnomAD 0.001%). This missense change has been observed in individual(s) with a neurodevelopmental condition (PMID: 28191889). ClinVar contains an entry for this variant (Variation ID: 2967027). Invitae Evidence Modeling of protein sequence and biophysical properties (such as structural, functional, and spatial information, amino acid conservation, physicochemical variation, residue mobility, and thermodynamic stability) indicates that this missense variant is not expected to disrupt TRRAP protein function with a negative predictive value of 80%. In summary, the available evidence is currently insufficient to determine the role of this variant in disease. Therefore, it has been classified as a Variant of Uncertain Significance.

Literature cited by the submitters: PubMed 28191889.